The following is an entry in ClinVar:

NM_001376256.1(CRYM):c.916A>G (p.Ile306Val)

Gene: CRYM (crystallin mu; minus strand). Cytogenetic location: 16p12.2.
Variant type: single nucleotide variant.
Coding change: c.916A>G on transcript NM_001376256.1 (MANE Select); coding-DNA position 916, A replaced by G.
Protein change: p.Ile306Val; replaces isoleucine 306 with valine.
Molecular consequence: missense variant.
Genome position (GRCh38, 1-based): chr16:21,258,810, T>C on the plus strand (A>G on the coding strand, the complement: CRYM is on the minus strand). VCF-style: chr16-21258810-T-C. GRCh37 (hg19) VCF-style: chr16-21270131-T-C.
Other names: c.916A>G (NM_001888.3); c.916A>G, p.Ile306Val (NM_001888.5); short protein forms I306V.
Identifiers: ClinVar variation 2790611 (VCV002790611.4), dbSNP rs1184938651, ClinGen allele CA395060625.

ClinVar aggregate classification (germline): Conflicting classifications of pathogenicity. Review status: criteria provided, conflicting classifications (1 of 4 stars). 2 submissions from 2 submitters: Uncertain significance (1); Likely benign (1). Last evaluated 2024-09-26.

Allele frequency attached by ClinVar (database versions not stated): gnomAD exomes below 0.00001; TOPMed below 0.00001; gnomAD 0.00001.
gnomAD v4.1: 5 of 1,613,678 alleles (0.00031%); highest among the groups gnomAD compares: Non-Finnish European, 0.00042%; no homozygotes.

Submissions (2):

Ambry Genetics
Classification: Likely benign. Last evaluated: 2024-09-26. Review status: criteria provided, single submitter. Criteria: Ambry Variant Classification Scheme 2023. Collection method: clinical testing. Allele origin: germline.

Labcorp Genetics (formerly Invitae), Labcorp
Classification: Uncertain significance. Last evaluated: 2022-12-31. Review status: criteria provided, single submitter. Criteria: Invitae Variant Classification Sherloc (09022015). Collection method: clinical testing. Allele origin: germline.
Comment: In summary, the available evidence is currently insufficient to determine the role of this variant in disease. Therefore, it has been classified as a Variant of Uncertain Significance. Advanced modeling of protein sequence and biophysical properties (such as structural, functional, and spatial information, amino acid conservation, physicochemical variation, residue mobility, and thermodynamic stability) performed at Invitae indicates that this missense variant is not expected to disrupt CRYM protein function. This variant has not been reported in the literature in individuals affected with CRYM-related conditions. This variant is not present in population databases (gnomAD no frequency). This sequence change replaces isoleucine, which is neutral and non-polar, with valine, which is neutral and non-polar, at codon 306 of the CRYM protein (p.Ile306Val).